The following is an entry in ClinVar:

ClinVar aggregate classification (germline): Uncertain significance (1 of 4 stars; one submission).

Conditions:
FBLN1-related disorder. Also called: FBLN1-related condition.

gnomAD v4.1: 2 of 1,614,066 alleles (0.00012%); highest among the groups gnomAD compares: Non-Finnish European, 0.00017%; no homozygotes.

Submission:

PreventionGenetics, part of Exact Sciences
Classification: Uncertain significance for FBLN1-related condition. Last evaluated: 2025-10-01. Review status: criteria provided, single submitter. Criteria: ACMG Guidelines, 2015. Collection method: clinical testing. Allele origin: germline.
Comment: The FBLN1 c.1736G>A variant is predicted to result in the amino acid substitution p.Cys579Tyr. To our knowledge, this variant has not been reported in the literature. This variant is reported in 0.00088% of alleles in individuals of European (Non-Finnish) descent in gnomAD. At this time, the clinical significance of this variant is uncertain due to the absence of conclusive functional and genetic evidence.

NM_006486.3(FBLN1):c.1698-11561G>A

Gene: FBLN1 (fibulin 1; plus strand). Cytogenetic location: 22q13.31.
Variant type: single nucleotide variant.
Coding change: c.1698-11561G>A on transcript NM_006486.3 (MANE Select); 11561 bases into the intron before coding-DNA position 1698, G replaced by A.
Molecular consequence: intron variant. On other transcripts: missense variant (1).
Genome position (GRCh38, 1-based): chr22:45,562,950, G>A. VCF-style: chr22-45562950-G-A. GRCh37 (hg19) VCF-style: chr22-45958830-G-A.
Other names: c.1736G>A, p.Cys579Tyr (NM_001996.4); c.1698-1934G>A (NM_006485.4); short protein forms C579Y.
Identifiers: ClinVar variation 4984467 (VCV004984467.1).